The following is an entry in ClinVar:

ClinVar aggregate classification (germline): Pathogenic (1 of 4 stars; one submission).

Conditions:
Hereditary insensitivity to pain with anhidrosis (CIPA). Also called: INSENSITIVITY TO PAIN, CONGENITAL, WITH ANHIDROSIS; NTRK1 Congenital Insensitivity to Pain with Anhidrosis; HSAN Type IV; FAMILIAL DYSAUTONOMIA, TYPE II; hereditary sensory and autonomic neuropathy type 4; NEUROPATHY, CONGENITAL SENSORY, WITH ANHIDROSIS. Identifiers: Orphanet 642, MedGen C0020074, MONDO:0009746, OMIM 256800.

Allele frequency attached by ClinVar (database versions not stated): gnomAD exomes below 0.00001.

Submission:

Labcorp Genetics (formerly Invitae), Labcorp
Classification: Pathogenic for Hereditary insensitivity to pain with anhidrosis. Last evaluated: 2024-10-02. Review status: criteria provided, single submitter. Criteria: Invitae Variant Classification Sherloc (09022015). Collection method: clinical testing. Allele origin: germline.
Comment: This sequence change creates a premature translational stop signal (p.Thr264Aspfs*61) in the NTRK1 gene. It is expected to result in an absent or disrupted protein product. Loss-of-function variants in NTRK1 are known to be pathogenic (PMID: 10982191). This variant is not present in population databases (gnomAD no frequency). This variant has not been reported in the literature in individuals affected with NTRK1-related conditions. For these reasons, this variant has been classified as Pathogenic.

Literature cited by the submitters: PubMed 10982191.

NM_002529.4(NTRK1):c.788dup (p.Thr264fs)

Gene: NTRK1 (neurotrophic receptor tyrosine kinase 1; plus strand). Cytogenetic location: 1q23.1.
Variant type: Duplication.
Coding change: c.788dup on transcript NM_002529.4 (MANE Select); coding-DNA position 788, one base duplicated (T; older notation c.788dupT).
Protein change: p.Thr264fs; shifts the reading frame from threonine 264.
Molecular consequence: frameshift variant.
Genome position (GRCh38, 1-based): chr1:156,871,693, T duplicated. VCF-style (leftmost placement, unchanged base first): chr1-156871692-G-GT. GRCh37 (hg19) VCF-style: chr1-156841484-G-GT.
Other names: c.698dup, p.Thr234fs (NM_001007792.1); c.788dup, p.Thr264fs (NM_001012331.2); short protein forms T234fs, T264fs.
Identifiers: ClinVar variation 2752373 (VCV002752373.3), dbSNP rs2102900184, ClinGen allele CA2573051388.
Genomic context (GRCh38, chr1:156,871,692, plus strand): 5'-GGTCTGCCATCCCTGGGGCTGACCCTGGCCAATGTCACCAGTGACCTCAACAGGAAGAAC[G>GT]TGACGTGCTGGGCAGAGAACGATGTGGGCCGGGCAGAGGTCTCTGTTCAGGTCAACGTCT-3'